The following is an entry in ClinVar:

ClinVar aggregate classification (germline): Uncertain significance (1 of 4 stars; one submission).

Conditions:
Inclusion body myopathy with Paget disease of bone and frontotemporal dementia. Also called: Inclusion body myopathy with early-onset Paget disease and frontotemporal dementia. Identifiers: Orphanet 52430, MedGen C1833662, MONDO:0000507.
Frontotemporal dementia and/or amyotrophic lateral sclerosis 6 (FTDALS6). Also called: VCP-Related Amyotrophic Lateral Sclerosis; VCP-Related Amyotrophic Lateral Sclerosis/Frontotemporal Dementia. Identifiers: Orphanet 275872, Orphanet 803, MedGen C5436279, MONDO:0013501, OMIM 613954.

Submission:

Labcorp Genetics (formerly Invitae), Labcorp
Classification: Uncertain significance for Inclusion body myopathy with Paget disease of bone and frontotemporal dementia; Frontotemporal dementia and/or amyotrophic lateral sclerosis 6. Last evaluated: 2022-11-01. Review status: criteria provided, single submitter. Criteria: Invitae Variant Classification Sherloc (09022015). Collection method: clinical testing. Allele origin: germline.
Comment: This sequence change replaces lysine, which is basic and polar, with glutamine, which is neutral and polar, at codon 658 of the VCP protein (p.Lys658Gln). This variant is not present in population databases (gnomAD no frequency). This variant has not been reported in the literature in individuals affected with VCP-related conditions. Advanced modeling of protein sequence and biophysical properties (such as structural, functional, and spatial information, amino acid conservation, physicochemical variation, residue mobility, and thermodynamic stability) performed at Invitae indicates that this missense variant is not expected to disrupt VCP protein function. In summary, the available evidence is currently insufficient to determine the role of this variant in disease. Therefore, it has been classified as a Variant of Uncertain Significance.

NM_007126.5(VCP):c.1972A>C (p.Lys658Gln)

Gene: VCP (valosin containing protein; minus strand). Cytogenetic location: 9p13.3.
Variant type: single nucleotide variant.
Coding change: c.1972A>C on transcript NM_007126.5 (MANE Select); coding-DNA position 1972, A replaced by C.
Protein change: p.Lys658Gln; replaces lysine 658 with glutamine.
Molecular consequence: missense variant.
Genome position (GRCh38, 1-based): chr9:35,059,525, T>G on the plus strand (A>C on the coding strand, the complement: VCP is on the minus strand). VCF-style: chr9-35059525-T-G. GRCh37 (hg19) VCF-style: chr9-35059522-T-G.
Other names: c.1837A>C, p.Lys613Gln (NM_001354927.2, NM_001354928.2); short protein forms K658Q, K613Q.
Identifiers: ClinVar variation 2941213 (VCV002941213.3), dbSNP rs2490347779, ClinGen allele CA373274898.
Genomic context (GRCh38, chr9:35,059,525, plus strand): 5'-CTCCCACAGCCCATGATCTTGCACCTGCCTTGGCAACTGGGGACTTGCGCAGGTTAGCCT[T>G]GAGGATGGCAACACGGGACTTCTCATCAGGAAGTGGGATGTAGATGAGCTGATCAAGACG-3'
Protein context (NP_009057.1, residues 648-668): PDEKSRVAIL[Lys658Gln]ANLRKSPVAK